The following is an entry in ClinVar:

NM_024989.4(PGAP1):c.2128T>C (p.Ser710Pro)

Gene: PGAP1 (post-GPI attachment to proteins inositol deacylase 1; minus strand). Cytogenetic location: 2q33.1.
Variant type: single nucleotide variant.
Coding change: c.2128T>C on transcript NM_024989.4 (MANE Select); coding-DNA position 2128, T replaced by C.
Protein change: p.Ser710Pro; replaces serine 710 with proline.
Molecular consequence: missense variant.
Genome position (GRCh38, 1-based): chr2:196,847,025, A>G on the plus strand (T>C on the coding strand, the complement: PGAP1 is on the minus strand). VCF-style: chr2-196847025-A-G. GRCh37 (hg19) VCF-style: chr2-197711749-A-G.
Other names: c.1606T>C, p.Ser536Pro (NM_001321099.2); c.961T>C, p.Ser321Pro (NM_001321100.2); short protein forms S321P, S536P, S710P.
Identifiers: ClinVar variation 1032204 (VCV001032204.1), dbSNP rs1700574769, ClinGen allele CA350186489.

ClinVar aggregate classification (germline): Uncertain significance (1 of 4 stars; one submission).

Conditions:
Intellectual disability, autosomal recessive 42 (NEDDSBA). Also called: Neurodevelopmental disorder with dysmorphic features, spasticity, and brain abnormalities; GLYCOSYLPHOSPHATIDYLINOSITOL BIOSYNTHESIS DEFECT 9. Identifiers: Orphanet 88616, MedGen C4014343, MONDO:0014348, OMIM 615802.

Submission:

Baylor Genetics
Classification: Uncertain significance for Intellectual disability, autosomal recessive 42. Last evaluated: 2018-12-19. Review status: criteria provided, single submitter. Criteria: ACMG Guidelines, 2015. Collection method: clinical testing. Allele origin: paternal. Affected: yes.
Comment: This variant was determined to be of uncertain significance according to ACMG Guidelines, 2015 [PMID:25741868].